The following is an entry in ClinVar:

ClinVar aggregate classification (germline): Uncertain significance (1 of 4 stars; one submission).

gnomAD v4.1: 16 of 1,614,050 alleles (0.00099%); highest among the groups gnomAD compares: South Asian, 0.0022%; no homozygotes.

Submission:

Labcorp Genetics (formerly Invitae), Labcorp
Classification: Uncertain significance. Last evaluated: 2025-09-09. Review status: criteria provided, single submitter. Criteria: Invitae Variant Classification Sherloc (09022015). Collection method: clinical testing. Allele origin: germline.
Comment: This sequence change replaces proline, which is neutral and non-polar, with serine, which is neutral and polar, at codon 719 of the FAT2 protein (p.Pro719Ser). This variant is present in population databases (rs775634607, gnomAD 0.003%). This variant has not been reported in the literature in individuals affected with FAT2-related conditions. Invitae Evidence Modeling of protein sequence and biophysical properties (such as structural, functional, and spatial information, amino acid conservation, physicochemical variation, residue mobility, and thermodynamic stability) indicates that this missense variant is not expected to disrupt FAT2 protein function with a negative predictive value of 80%. In summary, the available evidence is currently insufficient to determine the role of this variant in disease. Therefore, it has been classified as a Variant of Uncertain Significance.

NM_001447.3(FAT2):c.2155C>T (p.Pro719Ser)

Gene: FAT2 (FAT atypical cadherin 2; minus strand). Cytogenetic location: 5q33.1.
Variant type: single nucleotide variant.
Coding change: c.2155C>T on transcript NM_001447.3 (MANE Select); coding-DNA position 2155, C replaced by T.
Protein change: p.Pro719Ser; replaces proline 719 with serine.
Molecular consequence: missense variant.
Genome position (GRCh38, 1-based): chr5:151,566,777, G>A on the plus strand (C>T on the coding strand, the complement: FAT2 is on the minus strand). VCF-style: chr5-151566777-G-A. GRCh37 (hg19) VCF-style: chr5-150946338-G-A.
Other names: short protein forms P719S.
Identifiers: ClinVar variation 4696851 (VCV004696851.1).